The following is an entry in ClinVar:

ClinVar aggregate classification (germline): Uncertain significance (1 of 4 stars; one submission).

Conditions:
Lethal Kniest-like syndrome (DDSH). Also called: Dyssegmental Dysplasia. Identifiers: Orphanet 1865, MedGen C1857100, MONDO:0009140, OMIM 224410.

Submission:

OLLIN Analises Genomicas, OLLIN
Classification: Uncertain significance for Lethal Kniest-like syndrome. Last evaluated: 2026-08-06. Review status: criteria provided, single submitter. Criteria: ACMG Guidelines 2015 PMID 25741868. Collection method: clinical testing. Allele origin: germline. Inheritance: Autosomal recessive inheritance.
Comment: This missense variant, located in exon 29 (of 97), is absent from gnomAD and ClinVar and has not been identified in the literature. In silico analysis is inconclusive regarding the impact of this variant. This gene has high tolerance to missense variation. According to the currently available evidence, this variant has been classified as uncertain significance (PM2_P, BP1).

NM_005529.7(HSPG2):c.3704A>G (p.Asp1235Gly)

Gene: HSPG2 (heparan sulfate proteoglycan 2; minus strand). Cytogenetic location: 1p36.12.
Variant type: single nucleotide variant.
Coding change: c.3704A>G on transcript NM_005529.7 (MANE Select); coding-DNA position 3704, A replaced by G.
Protein change: p.Asp1235Gly; replaces aspartic acid 1235 with glycine.
Molecular consequence: missense variant.
Genome position (GRCh38, 1-based): chr1:21,873,964, T>C on the plus strand (A>G on the coding strand, the complement: HSPG2 is on the minus strand). VCF-style: chr1-21873964-T-C. GRCh37 (hg19) VCF-style: chr1-22200457-T-C.
Other names: c.3707A>G, p.Asp1236Gly (NM_001291860.2); short protein forms D1236G, D1235G.
Identifiers: ClinVar variation 5002662 (VCV005002662.1).